The following is an entry in ClinVar:

NM_000168.6(GLI3):c.2800G>C (p.Ala934Pro)

Gene: GLI3 (GLI family zinc finger 3; minus strand). Cytogenetic location: 7p14.1.
Variant type: single nucleotide variant.
Coding change: c.2800G>C on transcript NM_000168.6 (MANE Select); coding-DNA position 2800, G replaced by C.
Protein change: p.Ala934Pro; replaces alanine 934 with proline.
Molecular consequence: missense variant.
Genome position (GRCh38, 1-based): chr7:41,966,273, C>G on the plus strand (G>C on the coding strand, the complement: GLI3 is on the minus strand). VCF-style: chr7-41966273-C-G. GRCh37 (hg19) VCF-style: chr7-42005871-C-G.
Other names: c.2800G>C (NM_000168.5); short protein forms A934P.
Identifiers: ClinVar variation 13825 (VCV000013825.2), dbSNP rs28933372, ClinGen allele CA130192.
Genomic context (GRCh38, chr7:41,966,273, plus strand): 5'-TCAGGCTCATCCTCTCCATGTTGGGCAGGGGCGTCGGCGGCGGCCCTCCTGTGGCAGCCG[C>G]GTACTTGGCCTTGAGGCGGTACTGCTGGGCGGGCGTGAGGCTGAGCAGGCTGGGCAGGCC-3'
Protein context (NP_000159.3, residues 924-944): AQQYRLKAKY[Ala934Pro]AATGGPPPTP

ClinVar aggregate classification (germline): Pathogenic. Review status: criteria provided, single submitter (1 of 4 stars). 2 submissions from 2 submitters: Pathogenic (1). 1 of the submissions does not count toward it. Last evaluated 2026-03-22.

Conditions:
Greig cephalopolysyndactyly syndrome, severe. Identifiers: MedGen C4016299.

Submissions (2):

GeneDx
Classification: Pathogenic. Last evaluated: 2026-03-22. Review status: criteria provided, single submitter. Criteria: GeneDx Variant Classification Process June 2021. Collection method: clinical testing. Allele origin: germline.
Comment: Not observed at significant frequency in large population cohorts (gnomAD); In silico analysis supports that this missense variant has a deleterious effect on protein structure/function; This variant is associated with the following publications: (PMID: 19829694, 12414818)

OMIM
Classification: Pathogenic for GREIG CEPHALOPOLYSYNDACTYLY SYNDROME, SEVERE. Last evaluated: 2006-06-01. Review status: no assertion criteria provided. Collection method: literature only. Allele origin: germline. Not counted in ClinVar's aggregate classification.

Literature cited by the submitters: PubMed 12414818 (cited by OMIM); PubMed 16740916 (cited by OMIM).